The following is an entry in ClinVar:

NM_173354.5(SIK1):c.500-3C>G

Gene: SIK1 (salt inducible kinase 1; minus strand). Cytogenetic location: 21q22.3.
Variant type: single nucleotide variant.
Coding change: c.500-3C>G on transcript NM_173354.5 (MANE Select); 3 bases into the intron before coding-DNA position 500, C replaced by G.
Molecular consequence: intron variant.
Genome position (GRCh38, 1-based): chr21:43,421,370, G>C on the plus strand (C>G on the coding strand, the complement: SIK1 is on the minus strand). VCF-style: chr21-43421370-G-C. GRCh37 (hg19) VCF-style: chr21-44841250-G-C.
Identifiers: ClinVar variation 1310679 (VCV001310679.2), dbSNP rs747258177, ClinGen allele CA2573054944.

ClinVar aggregate classification (germline): Uncertain significance (1 of 4 stars; one submission).

Submission:

GeneDx
Classification: Uncertain significance. Last evaluated: 2021-05-20. Review status: criteria provided, single submitter. Criteria: GeneDx Variant Classification Process June 2021. Collection method: clinical testing. Allele origin: germline. Affected: yes.
Comment: Not observed in large population cohorts (Lek et al., 2016); In silico analysis, which includes splice predictors and evolutionary conservation, supports a deleterious effect; In silico analysis, which includes splice predictors and evolutionary conservation, suggests this variant may impact gene splicing. In the absence of RNA/functional studies, the actual effect of this sequence change is unknown.; Has not been previously published as pathogenic or benign to our knowledge